The following is an entry in ClinVar:

ClinVar aggregate classification (germline): Uncertain significance (1 of 4 stars; one submission).

Conditions:
Hypertrophic cardiomyopathy. Also called: HYPERTROPHIC MYOCARDIOPATHY. Identifiers: Orphanet 217569, MedGen C0007194, MeSH D002312, MONDO:0005045, HP:0001639.

Submission:

All of Us Research Program, National Institutes of Health
Classification: Uncertain significance for Hypertrophic cardiomyopathy. Last evaluated: 2023-12-18. Review status: criteria provided, single submitter. Criteria: ACMG Guidelines, 2015. Collection method: clinical testing. Allele origin: germline. Inheritance: Autosomal dominant inheritance. Observed: 1 variant allele, 1 heterozygote.
Comment: This missense variant replaces methionine with valine at codon 415 of the PRKAG2 protein. Computational prediction suggests that this variant may not impact protein structure and function (internally defined REVEL score threshold <= 0.5, PMID: 27666373). To our knowledge, functional studies have not been reported for this variant. This variant has not been reported in individuals affected with PRKAG2-related disorders in the literature. This variant has not been identified in the general population by the Genome Aggregation Database (gnomAD). The available evidence is insufficient to determine the role of this variant in disease conclusively. Therefore, this variant is classified as a Variant of Uncertain Significance.

This study involves interpretation of variants in research participants for the purpose of population health screening. Participant phenotype was not available at the time of variant classification. Additional details can be found in publication PMID: 35346344, PMCID: PMC8962531

NM_016203.4(PRKAG2):c.1243A>G (p.Met415Val)

Gene: PRKAG2 (protein kinase AMP-activated non-catalytic subunit gamma 2; minus strand). Cytogenetic location: 7q36.1.
Variant type: single nucleotide variant.
Coding change: c.1243A>G on transcript NM_016203.4 (MANE Select); coding-DNA position 1243, A replaced by G.
Protein change: p.Met415Val; replaces methionine 415 with valine.
Molecular consequence: missense variant.
Genome position (GRCh38, 1-based): chr7:151,565,876, T>C on the plus strand (A>G on the coding strand, the complement: PRKAG2 is on the minus strand). VCF-style: chr7-151565876-T-C. GRCh37 (hg19) VCF-style: chr7-151262962-T-C.
Other names: c.868A>G, p.Met290Val (NM_001407029.1, NM_001304527.2); c.955A>G, p.Met319Val (NM_001407030.1); c.952A>G, p.Met318Val (NM_001407031.1); c.925A>G, p.Met309Val (NM_001407032.1); c.919A>G, p.Met307Val (NM_001407033.1); c.520A>G, p.Met174Val (NM_001407034.1, NM_001407035.1, NM_024429.2 and 1 more transcripts); c.517A>G, p.Met173Val (NM_001407036.1, NM_001407039.1, NM_001407040.1); c.580A>G, p.Met194Val (NM_001407037.1); and 6 more; short protein forms M173V, M174V, M190V, M194V, M290V, M291V, M307V, M309V.
Identifiers: ClinVar variation 3075085 (VCV003075085.1), dbSNP rs2536297927, ClinGen allele CA370071306.